The following is an entry in ClinVar:

NM_152383.5(DIS3L2):c.2653A>G (p.Ser885Gly)

Gene: DIS3L2 (DIS3 like 3'-5' exoribonuclease 2; plus strand). Cytogenetic location: 2q37.1.
Variant type: single nucleotide variant.
Coding change: c.2653A>G on transcript NM_152383.5 (MANE Select); coding-DNA position 2653, A replaced by G.
Protein change: p.Ser885Gly; replaces serine 885 with glycine.
Molecular consequence: missense variant. On other transcripts: non-coding transcript variant (2), intron variant (1).
Genome position (GRCh38, 1-based): chr2:232,336,625, A>G. VCF-style: chr2-232336625-A-G. GRCh37 (hg19) VCF-style: chr2-233201335-A-G.
Other names: c.1582-6720A>G (NM_001257281.2); short protein forms S885G.
Identifiers: ClinVar variation 951526 (VCV000951526.8), dbSNP rs1410322218, ClinGen allele CA350979155.
Genomic context (GRCh38, chr2:232,336,625, plus strand): 5'-CACCTGGGCCCTGAGAAGGAGGAGGAGGAGTCTGACGGTGAGCCCGAGGACTCAAGCACC[A>G]GCTGAGCTCCACCAGCCGCCTGCCCCGCCTGCCCCGCCTGCCTGTCCCGCCACACTGGCT-3'
Protein context (NP_689596.4, residues 875-885): SDGEPEDSST[Ser885Gly]

ClinVar aggregate classification (germline): Uncertain significance. Review status: criteria provided, multiple submitters, no conflicts (2 of 4 stars). 2 submissions from 2 submitters: Uncertain significance (2). Last evaluated 2025-12-06.

Conditions:
DIS3L2-related disorder. Also called: DIS3L2-related condition.
Perlman syndrome (PRLMNS). Identifiers: Orphanet 2849, MedGen C0796113, MONDO:0009965, OMIM 267000.

Allele frequency attached by ClinVar (database versions not stated): gnomAD exomes below 0.00001 and 0.00001; TOPMed below 0.00001; gnomAD 0.00001.
gnomAD v4.1: 4 of 1,598,822 alleles (0.00025%); highest among the groups gnomAD compares: Admixed American, 0.0068%; no homozygotes.

Submissions (2):

PreventionGenetics, part of Exact Sciences
Classification: Uncertain significance for DIS3L2-related condition. Last evaluated: 2025-12-06. Review status: criteria provided, single submitter. Criteria: ACMG Guidelines, 2015. Collection method: clinical testing. Allele origin: germline.
Comment: The DIS3L2 c.2653A>G variant is predicted to result in the amino acid substitution p.Ser885Gly. To our knowledge, this variant has not been reported in the literature. This variant is reported in 0.0061% of alleles in individuals of Latino descent in gnomAD. At this time, the clinical significance of this variant is uncertain due to the absence of conclusive functional and genetic evidence.

Labcorp Genetics (formerly Invitae), Labcorp
Classification: Uncertain significance for Perlman syndrome. Last evaluated: 2025-03-22. Review status: criteria provided, single submitter. Criteria: Invitae Variant Classification Sherloc (09022015). Collection method: clinical testing. Allele origin: germline.
Comment: This sequence change replaces serine, which is neutral and polar, with glycine, which is neutral and non-polar, at codon 885 of the DIS3L2 protein (p.Ser885Gly). This variant is present in population databases (no rsID available, gnomAD 0.006%). This variant has not been reported in the literature in individuals affected with DIS3L2-related conditions. ClinVar contains an entry for this variant (Variation ID: 951526). Experimental studies and prediction algorithms are not available or were not evaluated, and the functional significance of this variant is currently unknown. In summary, the available evidence is currently insufficient to determine the role of this variant in disease. Therefore, it has been classified as a Variant of Uncertain Significance.